The following is an entry in ClinVar:

NM_001372.4(DNAH9):c.13192dup (p.Ile4398fs)

Gene: DNAH9 (dynein axonemal heavy chain 9; plus strand). Cytogenetic location: 17p12.
Variant type: Duplication.
Coding change: c.13192dup on transcript NM_001372.4 (MANE Select); coding-DNA position 13192, one base duplicated (A; older notation c.13192dupA).
Protein change: p.Ile4398fs; shifts the reading frame from isoleucine 4398.
Molecular consequence: frameshift variant.
Genome position (GRCh38, 1-based): chr17:11,962,215, A duplicated. VCF-style (leftmost placement, unchanged base first): chr17-11962214-C-CA. GRCh37 (hg19) VCF-style: chr17-11865531-C-CA.
Other names: c.2128dup, p.Ile710fs (NM_004662.2); short protein forms I4398fs, I710fs.
Identifiers: ClinVar variation 5017967 (VCV005017967.1).

ClinVar aggregate classification (germline): Uncertain significance (1 of 4 stars; one submission).

Submission:

GeneDx
Classification: Uncertain significance. Last evaluated: 2026-03-30. Review status: criteria provided, single submitter. Criteria: GeneDx Variant Classification Process June 2021. Collection method: clinical testing. Allele origin: germline.
Comment: Not observed at significant frequency in large population cohorts (gnomAD); Has not been previously published as pathogenic or benign to our knowledge; Frameshift variant predicted to result in abnormal protein length as the last 89 amino acid(s) are replaced with 41 different amino acid(s) with an unclear effect on protein function